The following is an entry in ClinVar:

ClinVar aggregate classification (germline): Likely benign (0 of 4 stars; one submission).

Conditions:
TUB-related disorder. Also called: TUB-related condition.

gnomAD v4.1: 11 of 1,613,842 alleles (0.00068%); highest among the groups gnomAD compares: Middle Eastern, 0.017%; no homozygotes.

Submission:

PreventionGenetics, part of Exact Sciences
Classification: Likely benign for TUB-related condition. Last evaluated: 2024-03-19. Review status: no assertion criteria provided. Collection method: clinical testing. Allele origin: germline.
Comment: This variant is classified as likely benign based on ACMG/AMP sequence variant interpretation guidelines (Richards et al. 2015 PMID: 25741868, with internal and published modifications).

NM_177972.3(TUB):c.688-3T>C

Genes: TUB (TUB bipartite transcription factor; plus strand), RIC3 (RIC3 acetylcholine receptor chaperone; minus strand). Cytogenetic location: 11p15.4.
Variant type: single nucleotide variant.
Coding change: c.688-3T>C on transcript NM_177972.3 (MANE Select); 3 bases into the intron before coding-DNA position 688, T replaced by C.
Molecular consequence: intron variant.
Genome position (GRCh38, 1-based): chr11:8,097,225, T>C. VCF-style: chr11-8097225-T-C. GRCh37 (hg19) VCF-style: chr11-8118772-T-C.
Other names: c.853-3T>C (NM_003320.5).
Identifiers: ClinVar variation 3348040 (VCV003348040.1).